The following is an entry in ClinVar:

ClinVar aggregate classification (germline): Pathogenic (1 of 4 stars; one submission).

Conditions:
Birt-Hogg-Dube syndrome. Also called: Birt Hogg Dubé syndrome. Identifiers: Orphanet 122, MedGen C0346010, MONDO:0800444.

Submission:

Labcorp Genetics (formerly Invitae), Labcorp
Classification: Pathogenic for Birt-Hogg-Dube syndrome. Last evaluated: 2025-03-19. Review status: criteria provided, single submitter. Criteria: Invitae Variant Classification Sherloc (09022015). Collection method: clinical testing. Allele origin: germline.
Comment: This sequence change affects an acceptor splice site in intron 10 of the FLCN gene. It is expected to disrupt RNA splicing. Variants that disrupt the donor or acceptor splice site typically lead to a loss of protein function (PMID: 16199547), and loss-of-function variants in FLCN are known to be pathogenic (PMID: 15852235). This variant is not present in population databases (gnomAD no frequency). Disruption of this splice site has been observed in individual(s) with clinical features of Birt-Hogg-Dubé syndrome (PMID: 17124507). Algorithms developed to predict the effect of sequence changes on RNA splicing suggest that this variant may disrupt the consensus splice site. For these reasons, this variant has been classified as Pathogenic.

Literature cited by the submitters: PubMed 16199547; PubMed 15852235; PubMed 17124507.

NM_144997.7(FLCN):c.1177-1G>C

Gene: FLCN (folliculin; minus strand). Cytogenetic location: 17p11.2.
Variant type: single nucleotide variant.
Coding change: c.1177-1G>C on transcript NM_144997.7 (MANE Select); the canonical splice acceptor site of the intron before coding-DNA position 1177, G replaced by C.
Molecular consequence: splice acceptor variant.
Genome position (GRCh38, 1-based): chr17:17,216,504, C>G on the plus strand (G>C on the coding strand, the complement: FLCN is on the minus strand). VCF-style: chr17-17216504-C-G. GRCh37 (hg19) VCF-style: chr17-17119818-C-G.
Other names: c.1177-1G>C (NM_001353231.2, NM_001353230.2); c.1231-1G>C (NM_001353229.2).
Identifiers: ClinVar variation 3722508 (VCV003722508.2).